The following is an entry in ClinVar:

NM_170606.3(KMT2C):c.3680A>G (p.His1227Arg)

Gene: KMT2C (lysine methyltransferase 2C; minus strand). Cytogenetic location: 7q36.1.
Variant type: single nucleotide variant.
Coding change: c.3680A>G on transcript NM_170606.3 (MANE Select); coding-DNA position 3680, A replaced by G.
Protein change: p.His1227Arg; replaces histidine 1227 with arginine.
Molecular consequence: missense variant.
Genome position (GRCh38, 1-based): chr7:152,220,555, T>C on the plus strand (A>G on the coding strand, the complement: KMT2C is on the minus strand). VCF-style: chr7-152220555-T-C. GRCh37 (hg19) VCF-style: chr7-151917640-T-C.
Other names: short protein forms H1227R.
Identifiers: ClinVar variation 3682650 (VCV003682650.2).

ClinVar aggregate classification (germline): Uncertain significance (1 of 4 stars; one submission).

gnomAD v4.1: 1 of 1,611,414 alleles (0.000062%); highest among the groups gnomAD compares: Non-Finnish European, 0.000085%; no homozygotes.

Submission:

Labcorp Genetics (formerly Invitae), Labcorp
Classification: Uncertain significance. Last evaluated: 2024-06-05. Review status: criteria provided, single submitter. Criteria: Invitae Variant Classification Sherloc (09022015). Collection method: clinical testing. Allele origin: germline.
Comment: This sequence change replaces histidine, which is basic and polar, with arginine, which is basic and polar, at codon 1227 of the KMT2C protein (p.His1227Arg). This variant is not present in population databases (gnomAD no frequency). This variant has not been reported in the literature in individuals affected with KMT2C-related conditions. Advanced modeling of protein sequence and biophysical properties (such as structural, functional, and spatial information, amino acid conservation, physicochemical variation, residue mobility, and thermodynamic stability) performed at Invitae indicates that this missense variant is expected to disrupt KMT2C protein function with a positive predictive value of 80%. In summary, the available evidence is currently insufficient to determine the role of this variant in disease. Therefore, it has been classified as a Variant of Uncertain Significance.